The following is an entry in ClinVar:

NM_020812.4(DOCK6):c.4336A>G (p.Lys1446Glu)

Genes: DOCK6 (dedicator of cytokinesis 6; minus strand), DOCK6-AS1 (DOCK6 antisense RNA 1; plus strand). Cytogenetic location: 19p13.2.
Variant type: single nucleotide variant.
Coding change: c.4336A>G on transcript NM_020812.4 (MANE Select); coding-DNA position 4336, A replaced by G.
Protein change: p.Lys1446Glu; replaces lysine 1446 with glutamic acid.
Molecular consequence: missense variant.
Genome position (GRCh38, 1-based): chr19:11,214,277, T>C on the plus strand (A>G on the coding strand, the complement: DOCK6 is on the minus strand). VCF-style: chr19-11214277-T-C. GRCh37 (hg19) VCF-style: chr19-11324953-T-C.
Other names: c.4441A>G, p.Lys1481Glu (NM_001367830.1); short protein forms K1446E, K1481E.
Identifiers: ClinVar variation 1983985 (VCV001983985.4), dbSNP rs1165957003, ClinGen allele CA404083061.
Genomic context (GRCh38, chr19:11,214,277, plus strand): 5'-GCTCAGCCTAGAGCTGCTACTGTTTTTCTAAGAATCATGGTTGTTGAGTGGTGCTCACCT[T>C]GGACACAAGGGCCCTCTGGGTGGCCAGGCCATGCTGCAAGAAGAGGGCACTCTGGGCACT-3'
Protein context (NP_065863.2, residues 1436-1456): GLATQRALVS[Lys1446Glu]FPELLFEEDT

ClinVar aggregate classification (germline): Uncertain significance (1 of 4 stars; one submission).

Allele frequency attached by ClinVar (database versions not stated): gnomAD exomes below 0.00001; gnomAD 0.00001; TOPMed 0.00001.
gnomAD v4.1: 5 of 1,609,164 alleles (0.00031%); highest among the groups gnomAD compares: Non-Finnish European, 0.00042%; no homozygotes.

Submission:

Labcorp Genetics (formerly Invitae), Labcorp
Classification: Uncertain significance. Last evaluated: 2024-09-16. Review status: criteria provided, single submitter. Criteria: Invitae Variant Classification Sherloc (09022015). Collection method: clinical testing. Allele origin: germline.
Comment: This sequence change replaces lysine, which is basic and polar, with glutamic acid, which is acidic and polar, at codon 1446 of the DOCK6 protein (p.Lys1446Glu). This variant is present in population databases (no rsID available, gnomAD 0.007%). This variant has not been reported in the literature in individuals affected with DOCK6-related conditions. ClinVar contains an entry for this variant (Variation ID: 1983985). An algorithm developed to predict the effect of missense changes on protein structure and function (PolyPhen-2) suggests that this variant is likely to be disruptive. In summary, the available evidence is currently insufficient to determine the role of this variant in disease. Therefore, it has been classified as a Variant of Uncertain Significance.